The following is an entry in ClinVar:

ClinVar aggregate classification (germline): Uncertain significance. Review status: criteria provided, multiple submitters, no conflicts (2 of 4 stars). 5 submissions from 5 submitters: Uncertain significance (5). Last evaluated 2026-07-17.

Conditions:
SDHC-related disorder. Also called: SDHC-related condition.
Pheochromocytoma/paraganglioma syndrome 3. Also called: SDHC-Related Hereditary Paraganglioma-Pheochromocytoma Syndrome; GLOMUS TUMORS, FAMILIAL, 3; SDHC-Related Hereditary Paraganglioma-Pheochromocytoma Syndrome (Paragangliomas 3); Paragangliomas 3. Identifiers: Orphanet 29072, MedGen C1854336, MONDO:0011544, OMIM 605373.
Gastrointestinal stromal tumor. Also called: Gastrointestinal stromal tumor, somatic; Gastrointestinal stroma tumor. Identifiers: Orphanet 44890, MedGen C0238198, MeSH D046152, MONDO:0011719, OMIM 606764, HP:0100723.
Hereditary cancer-predisposing syndrome. Also called: Neoplastic Syndromes, Hereditary; Hereditary neoplastic syndrome; Hereditary Cancer Syndrome; Tumor predisposition. Identifiers: Orphanet 140162, MedGen C0027672, MeSH D009386, MONDO:0015356.
Carney-Stratakis syndrome. Also called: PARAGANGLIOMA AND GASTROINTESTINAL STROMAL TUMOR. Identifiers: Orphanet 97286, MedGen C1847319, MONDO:0011740, OMIM 606864.

Allele frequency attached by ClinVar (database versions not stated): gnomAD 0.00001; ExAC 0.00003; TOPMed 0.00003.
gnomAD v4.1: 16 of 1,612,986 alleles (0.00099%); highest among the groups gnomAD compares: East Asian, 0.02%; no homozygotes.

Submissions (5):

PreventionGenetics, part of Exact Sciences
Classification: Uncertain significance for SDHC-related condition. Last evaluated: 2026-07-17. Review status: criteria provided, single submitter. Criteria: ACMG Guidelines, 2015. Collection method: clinical testing. Allele origin: germline.
Comment: The SDHC c.25G>A variant is predicted to result in the amino acid substitution p.Val9Ile. To our knowledge, this variant has not been reported in the literature. It is reported in 0.035% of alleles in individuals of East Asian descent in gnomAD and is classified as uncertain in ClinVar (Variation ID: 239451). At this time, the clinical significance of this variant is uncertain due to the absence of conclusive functional and genetic evidence.

Ambry Genetics
Classification: Uncertain significance for Hereditary cancer-predisposing syndrome. Last evaluated: 2025-10-03. Review status: criteria provided, single submitter. Criteria: Ambry Variant Classification Scheme 2023. Collection method: clinical testing. Allele origin: germline.
Comment: The p.V9I variant (also known as c.25G>A), located in coding exon 2 of the SDHC gene, results from a G to A substitution at nucleotide position 25. The valine at codon 9 is replaced by isoleucine, an amino acid with highly similar properties. This amino acid position is not well conserved in available vertebrate species. In addition, the in silico prediction for this alteration is inconclusive. Since supporting evidence is limited at this time, the clinical significance of this alteration remains unclear.

Labcorp Genetics (formerly Invitae), Labcorp
Classification: Uncertain significance for Pheochromocytoma/paraganglioma syndrome 3; Gastrointestinal stromal tumor. Last evaluated: 2025-07-23. Review status: criteria provided, single submitter. Criteria: Invitae Variant Classification Sherloc (09022015). Collection method: clinical testing. Allele origin: germline.
Comment: This sequence change replaces valine, which is neutral and non-polar, with isoleucine, which is neutral and non-polar, at codon 9 of the SDHC protein (p.Val9Ile). This variant is present in population databases (rs774768866, gnomAD 0.04%). This variant has not been reported in the literature in individuals affected with SDHC-related conditions. ClinVar contains an entry for this variant (Variation ID: 239451). An algorithm developed to predict the effect of missense changes on protein structure and function outputs the following: PolyPhen-2: "Benign". The isoleucine amino acid residue is found in multiple mammalian species, which suggests that this missense change does not adversely affect protein function. In summary, the available evidence is currently insufficient to determine the role of this variant in disease. Therefore, it has been classified as a Variant of Uncertain Significance.

Fulgent Genetics
Classification: Uncertain significance for Pheochromocytoma/paraganglioma syndrome 3; Gastrointestinal stromal tumor; Carney-Stratakis syndrome. Last evaluated: 2024-06-04. Review status: criteria provided, single submitter. Criteria: ACMG Guidelines, 2015. Collection method: clinical testing. Allele origin: germline.

GeneDx
Classification: Uncertain significance. Last evaluated: 2023-07-18. Review status: criteria provided, single submitter. Criteria: GeneDx Variant Classification Process June 2021. Collection method: clinical testing. Allele origin: germline.
Comment: In silico analysis supports that this missense variant does not alter protein structure/function; Has not been previously published as pathogenic or benign to our knowledge; This variant is associated with the following publications: (PMID: 35342043, 35547262)

NM_003001.5(SDHC):c.25G>A (p.Val9Ile)

Gene: SDHC (succinate dehydrogenase complex subunit C; plus strand). Cytogenetic location: 1q23.3.
Variant type: single nucleotide variant.
Coding change: c.25G>A on transcript NM_003001.5 (MANE Select); coding-DNA position 25, G replaced by A.
Protein change: p.Val9Ile; replaces valine 9 with isoleucine.
Molecular consequence: missense variant. On other transcripts: 5 prime UTR variant (2), non-coding transcript variant (1), intron variant (4).
Genome position (GRCh38, 1-based): chr1:161,323,618, G>A. VCF-style: chr1-161323618-G-A. GRCh37 (hg19) VCF-style: chr1-161293408-G-A.
Other names: c.25G>A, p.Val9Ile (NM_001035511.3, NM_001035512.3, NM_001278172.3 and 2 more transcripts); c.-87G>A (NM_001407119.1); c.-205G>A (NM_001407120.1); c.21-4778G>A (NM_001407116.1, NM_001407121.1, NM_001407117.1); c.20+9193G>A (NM_001035513.3); short protein forms V9I.
Identifiers: ClinVar variation 239451 (VCV000239451.22), dbSNP rs774768866, ClinGen allele CA047404.